The following is an entry in ClinVar:

NM_003995.4(NPR2):c.694A>G (p.Met232Val)

Gene: NPR2 (natriuretic peptide receptor 2; plus strand). Cytogenetic location: 9p13.3.
Variant type: single nucleotide variant.
Coding change: c.694A>G on transcript NM_003995.4 (MANE Select); coding-DNA position 694, A replaced by G.
Protein change: p.Met232Val; replaces methionine 232 with valine.
Molecular consequence: missense variant.
Genome position (GRCh38, 1-based): chr9:35,793,924, A>G. VCF-style: chr9-35793924-A-G. GRCh37 (hg19) VCF-style: chr9-35793921-A-G.
Other names: c.694A>G, p.Met232Val (NM_001378923.1); c.694A>G (NM_003995.3); short protein forms M232V.
Identifiers: ClinVar variation 2178828 (VCV002178828.6), dbSNP rs772855700, ClinGen allele CA5051502.

ClinVar aggregate classification (germline): Uncertain significance. Review status: criteria provided, multiple submitters, no conflicts (2 of 4 stars). 3 submissions from 3 submitters: Uncertain significance (3). Last evaluated 2026-09-10.

Conditions:
Acromesomelic dysplasia 1, Maroteaux type (AMD1). Also called: ST. HELENA DYSPLASIA; ACROMESOMELIC DYSPLASIA 1. Identifiers: Orphanet 40, MedGen C1864356, MONDO:0011275, OMIM 602875.
Tall stature-scoliosis-macrodactyly of the great toes syndrome. Also called: Epiphyseal chondrodysplasia, miura type. Identifiers: Orphanet 329191, MedGen C4014690, MONDO:0014401, OMIM 615923.
Inborn genetic diseases. Identifiers: MedGen C0950123, MeSH D030342.

Allele frequency attached by ClinVar (database versions not stated): TOPMed below 0.00001; ExAC 0.00001; gnomAD exomes below 0.00001; gnomAD 0.00001.
gnomAD v4.1: 2 of 1,613,994 alleles (0.00012%); highest among the groups gnomAD compares: East Asian, 0.0022%; no homozygotes.

Submissions (3):

Ambry Genetics
Classification: Uncertain significance for Inborn genetic diseases. Last evaluated: 2026-09-10. Review status: criteria provided, single submitter. Criteria: Ambry Variant Classification Scheme 2023. Collection method: clinical testing. Allele origin: germline.
Comment: The c.694A>G (p.M232V) alteration is located in exon 2 (coding exon 2) of the NPR2 gene. This alteration results from a A to G substitution at nucleotide position 694, causing the methionine (M) at amino acid position 232 to be replaced by a valine (V). Based on data from gnomAD, the G allele has an overall frequency of <0.001% (1/251490) total alleles studied. The highest observed frequency was 0.003% (1/34592) of Latino alleles. Based on insufficient or conflicting evidence, the clinical significance of this alteration remains unclear.

Labcorp Genetics (formerly Invitae), Labcorp
Classification: Uncertain significance for Tall stature-scoliosis-macrodactyly of the great toes syndrome; Acromesomelic dysplasia 1, Maroteaux type. Last evaluated: 2026-01-30. Review status: criteria provided, single submitter. Criteria: Invitae Variant Classification Sherloc (09022015). Collection method: clinical testing. Allele origin: germline.
Comment: This sequence change replaces methionine, which is neutral and non-polar, with valine, which is neutral and non-polar, at codon 232 of the NPR2 protein (p.Met232Val). This variant is present in population databases (rs772855700, gnomAD 0.003%). This variant has not been reported in the literature in individuals affected with NPR2-related conditions. ClinVar contains an entry for this variant (Variation ID: 2178828). Invitae Evidence Modeling of protein sequence and biophysical properties (such as structural, functional, and spatial information, amino acid conservation, physicochemical variation, residue mobility, and thermodynamic stability) indicates that this missense variant is not expected to disrupt NPR2 protein function with a negative predictive value of 80%. In summary, the available evidence is currently insufficient to determine the role of this variant in disease. Therefore, it has been classified as a Variant of Uncertain Significance.

Women's Health and Genetics/Laboratory Corporation of America, LabCorp
Classification: Uncertain significance. Last evaluated: 2025-11-26. Review status: criteria provided, single submitter. Criteria: LabCorp Variant Classification Summary - May 2015. Collection method: clinical testing. Allele origin: germline.
Comment: Variant summary: NPR2 c.694A>G (p.Met232Val) results in a conservative amino acid change in the encoded protein sequence. Algorithms developed to predict the effect of missense changes on protein structure and function all suggest that this variant is likely to be tolerated. The variant allele was found at a frequency of 4e-06 in 251490 control chromosomes. The available data on variant occurrences in the general population are insufficient to allow any conclusion about variant significance. To our knowledge, no occurrence of c.694A>G in individuals affected with NPR2-related conditions and no experimental evidence demonstrating its impact on protein function have been reported. ClinVar contains an entry for this variant (Variation ID: 2178828). Based on the evidence outlined above, the variant was classified as uncertain significance.